The following is an entry in ClinVar:

ClinVar aggregate classification (germline): Likely benign. Review status: criteria provided, multiple submitters, no conflicts (2 of 4 stars). 2 submissions from 2 submitters: Likely benign (2). Last evaluated 2025-06-11.

Conditions:
Charcot-Marie-Tooth disease type 4. Also called: Charcot-Marie-Tooth disease, type IV; Charcot-Marie-Tooth, Type 4. Identifiers: Orphanet 64749, MedGen C4082197, MONDO:0018995.

Submissions (2):

Labcorp Genetics (formerly Invitae), Labcorp
Classification: Likely benign for Charcot-Marie-Tooth disease type 4. Last evaluated: 2025-06-11. Review status: criteria provided, single submitter. Criteria: Invitae Variant Classification Sherloc (09022015). Collection method: clinical testing. Allele origin: germline.

CeGaT Center for Human Genetics Tuebingen
Classification: Likely benign. Last evaluated: 2022-03-01. Review status: criteria provided, single submitter. Criteria: CeGaT Center For Human Genetics Tuebingen Variant Classification Criteria Version 2. Collection method: clinical testing. Allele origin: germline. Affected: yes. Observed: 1 variant allele.
Comment: PRX: PM2:Supporting, BP4, BP7

NM_181882.3(PRX):c.1944T>C (p.Ala648=)

Gene: PRX (periaxin; minus strand). Cytogenetic location: 19q13.2.
Variant type: single nucleotide variant.
Coding change: c.1944T>C on transcript NM_181882.3 (MANE Select); coding-DNA position 1944, T replaced by C.
Protein change: p.Ala648=; no amino-acid change (alanine 648 retained).
Molecular consequence: synonymous variant. On other transcripts: 3 prime UTR variant (1).
Genome position (GRCh38, 1-based): chr19:40,396,408, A>G on the plus strand (T>C on the coding strand, the complement: PRX is on the minus strand). VCF-style: chr19-40396408-A-G. GRCh37 (hg19) VCF-style: chr19-40902315-A-G.
Other names: c.2229T>C, p.Ala743= (NM_001411127.1); c.*2149T>C (NM_020956.2).
Identifiers: ClinVar variation 2649879 (VCV002649879.26), dbSNP rs878961635, ClinGen allele CA308419940.